The following is an entry in ClinVar:

ClinVar aggregate classification (germline): Uncertain significance. Review status: criteria provided, multiple submitters, no conflicts (2 of 4 stars). 2 submissions from 2 submitters: Uncertain significance (2). Last evaluated 2023-01-05.

Conditions:
Cardiovascular phenotype. Identifiers: MedGen CN230736.

Allele frequency attached by ClinVar (database versions not stated): gnomAD exomes below 0.00001.
gnomAD v4.1: 2 of 1,614,216 alleles (0.00012%); highest among the groups gnomAD compares: Non-Finnish European, 0.00017%; no homozygotes.

Submissions (2):

Quest Diagnostics Nichols Institute San Juan Capistrano
Classification: Uncertain significance. Last evaluated: 2023-01-05. Review status: criteria provided, single submitter. Criteria: Quest Diagnostics criteria. Collection method: clinical testing. Allele origin: unknown.
Comment: This variant has not been reported in the published literature. It also has not been reported in large, multi-ethnic general populations. Analysis of this variant using bioinformatics tools for the prediction of the effect of amino acid changes on protein structure and function yielded predictions that this variant is benign. Based on the available information, we are unable to determine the clinical significance of this variant.

Ambry Genetics
Classification: Uncertain significance for Cardiovascular phenotype. Last evaluated: 2022-12-11. Review status: criteria provided, single submitter. Criteria: Ambry Variant Classification Scheme 2023. Collection method: clinical testing. Allele origin: germline.
Comment: The p.I228V variant (also known as c.682A>G), located in coding exon 6 of the APOB gene, results from an A to G substitution at nucleotide position 682. The isoleucine at codon 228 is replaced by valine, an amino acid with highly similar properties. This amino acid position is conserved. In addition, this alteration is predicted to be tolerated by in silico analysis. Since supporting evidence is limited at this time, the clinical significance of this alteration remains unclear.

NM_000384.3(APOB):c.682A>G (p.Ile228Val)

Gene: APOB (apolipoprotein B; minus strand). Cytogenetic location: 2p24.1.
Variant type: single nucleotide variant.
Coding change: c.682A>G on transcript NM_000384.3 (MANE Select); coding-DNA position 682, A replaced by G.
Protein change: p.Ile228Val; replaces isoleucine 228 with valine.
Molecular consequence: missense variant.
Genome position (GRCh38, 1-based): chr2:21,037,111, T>C on the plus strand (A>G on the coding strand, the complement: APOB is on the minus strand). VCF-style: chr2-21037111-T-C. GRCh37 (hg19) VCF-style: chr2-21259983-T-C.
Other names: short protein forms I228V.
Identifiers: ClinVar variation 2446985 (VCV002446985.3), dbSNP rs2465445551, ClinGen allele CA345961513.
Genomic context (GRCh38, chr2:21,037,111, plus strand): 5'-ATAAGAGGATGCTCCTTGCTGTGCACGACAGTGCTGACATGGGACTTACCATGCCTTTGA[T>C]GAGAGCAAGTGGGCTGATGCCTGTGCGGATGGGCTTGAAGCGATCACACTGCCCCAGGTC-3'
Protein context (NP_000375.3, residues 218-238): IRTGISPLAL[Ile228Val]KGMTRPLSTL